The following is an entry in ClinVar:

NM_003705.5(SLC25A12):c.1445A>G (p.Lys482Arg)

Gene: SLC25A12 (solute carrier family 25 member 12; minus strand). Cytogenetic location: 2q31.1.
Variant type: single nucleotide variant.
Coding change: c.1445A>G on transcript NM_003705.5 (MANE Select); coding-DNA position 1445, A replaced by G.
Protein change: p.Lys482Arg; replaces lysine 482 with arginine.
Molecular consequence: missense variant. On other transcripts: non-coding transcript variant (1).
Genome position (GRCh38, 1-based): chr2:171,793,628, T>C on the plus strand (A>G on the coding strand, the complement: SLC25A12 is on the minus strand). VCF-style: chr2-171793628-T-C. GRCh37 (hg19) VCF-style: chr2-172650138-T-C.
Other names: short protein forms K482R.
Identifiers: ClinVar variation 1404158 (VCV001404158.6), dbSNP rs765660768, ClinGen allele CA1966121.

ClinVar aggregate classification (germline): Uncertain significance (1 of 4 stars; one submission).

Allele frequency attached by ClinVar (database versions not stated): gnomAD exomes below 0.00001 and 0.00001; gnomAD 0.00001; TOPMed 0.00001; ExAC 0.00002.
gnomAD v4.1: 6 of 1,614,050 alleles (0.00037%); highest among the groups gnomAD compares: Non-Finnish European, 0.00051%; no homozygotes.

Submission:

Labcorp Genetics (formerly Invitae), Labcorp
Classification: Uncertain significance. Last evaluated: 2021-08-08. Review status: criteria provided, single submitter. Criteria: Invitae Variant Classification Sherloc (09022015). Collection method: clinical testing. Allele origin: germline.
Comment: In summary, the available evidence is currently insufficient to determine the role of this variant in disease. Therefore, it has been classified as a Variant of Uncertain Significance. Algorithms developed to predict the effect of sequence changes on RNA splicing suggest that this variant may disrupt the consensus splice site. Algorithms developed to predict the effect of missense changes on protein structure and function are either unavailable or do not agree on the potential impact of this missense change (SIFT: "Tolerated"; PolyPhen-2: "Probably Damaging"; Align-GVGD: "Class C0"). This variant has not been reported in the literature in individuals affected with SLC25A12-related conditions. This variant is present in population databases (rs765660768, ExAC 0.003%). This sequence change replaces lysine with arginine at codon 482 of the SLC25A12 protein (p.Lys482Arg). The lysine residue is highly conserved and there is a small physicochemical difference between lysine and arginine.